The following is an entry in ClinVar:

ClinVar aggregate classification (germline): Benign (1 of 4 stars; one submission).

Conditions:
Occult macular dystrophy (OCMD). Also called: OMD; OCCULT MACULAR DYSTROPHY, SUSCEPTIBILITY TO. Identifiers: Orphanet 247834, MedGen C3150833, MONDO:0013316, OMIM 613587, HP:0030636.

Allele frequency attached by ClinVar (database versions not stated): ESP Exome Variant Server 0.00016; TOPMed 0.00011 and 0.00008.
gnomAD v4.1: 139 of 1,595,160 alleles (0.0087%); highest among the groups gnomAD compares: Admixed American, 0.015%; 1 homozygote.

Submission:

Illumina Laboratory Services, Illumina
Classification: Benign for Occult macular dystrophy. Last evaluated: 2018-01-12. Review status: criteria provided, single submitter. Criteria: ICSL Variant Classification Criteria 13 December 2019. Collection method: clinical testing. Allele origin: germline.
Comment: This variant was observed in the ICSL laboratory as part of a predisposition screen in an ostensibly healthy population. It had not been previously curated by ICSL or reported in the Human Gene Mutation Database (HGMD: prior to June 1st, 2018), and was therefore a candidate for classification through an automated scoring system. Utilizing variant allele frequency, disease prevalence and penetrance estimates, and inheritance mode, an automated score was calculated to assess if this variant is too frequent to cause the disease. Based on the score and internal cut-off values, a variant classified as benign is not then subjected to further curation. The score for this variant resulted in a classification of benign for this disease.

NM_178857.6(RP1L1):c.5821C>G (p.Gln1941Glu)

Gene: RP1L1 (RP1 like 1). Cytogenetic location: 8p23.1.
Variant type: single nucleotide variant.
Coding change: c.5821C>G on transcript NM_178857.6 (MANE Select); coding-DNA position 5821, C replaced by G.
Protein change: p.Gln1941Glu; replaces glutamine 1941 with glutamic acid.
Molecular consequence: missense variant.
Genome position (GRCh38, 1-based): chr8:10,608,277, G>C on the plus strand (C>G on the coding strand, the complement: RP1L1 is on the minus strand). VCF-style: chr8-10608277-G-C. GRCh37 (hg19) VCF-style: chr8-10465787-G-C.
Other names: short protein forms Q1941E.
Identifiers: ClinVar variation 361238 (VCV000361238.5), dbSNP rs201017122, ClinGen allele CA4623524.